The following is an entry in ClinVar:

NM_000135.4(FANCA):c.3073G>A (p.Val1025Ile)

Gene: FANCA (FA complementation group A; minus strand). Cytogenetic location: 16q24.3.
Variant type: single nucleotide variant.
Coding change: c.3073G>A on transcript NM_000135.4 (MANE Select); coding-DNA position 3073, G replaced by A.
Protein change: p.Val1025Ile; replaces valine 1025 with isoleucine.
Molecular consequence: missense variant.
Genome position (GRCh38, 1-based): chr16:89,749,896, C>T on the plus strand (G>A on the coding strand, the complement: FANCA is on the minus strand). VCF-style: chr16-89749896-C-T. GRCh37 (hg19) VCF-style: chr16-89816304-C-T.
Other names: c.3073G>A, p.Val1025Ile (NM_001286167.3); short protein forms V1025I.
Identifiers: ClinVar variation 4022275 (VCV004022275.1).

ClinVar aggregate classification (germline): Uncertain significance (1 of 4 stars; one submission).

Conditions:
Inborn genetic diseases. Identifiers: MedGen C0950123, MeSH D030342.

gnomAD v4.1: 1 of 1,614,070 alleles (0.000062%); highest among the groups gnomAD compares: Non-Finnish European, 0.000085%; no homozygotes.

Submission:

Ambry Genetics
Classification: Uncertain significance for Inborn genetic diseases. Last evaluated: 2025-05-16. Review status: criteria provided, single submitter. Criteria: Ambry Variant Classification Scheme 2023. Collection method: clinical testing. Allele origin: germline.
Comment: The p.V1025I variant (also known as c.3073G>A), located in coding exon 32 of the FANCA gene, results from a G to A substitution at nucleotide position 3073. The valine at codon 1025 is replaced by isoleucine, an amino acid with highly similar properties. This amino acid position is conserved. In addition, this alteration is predicted to be tolerated by in silico analysis. Based on the available evidence, the clinical significance of this variant remains unclear.